The following continues an entry in ClinVar:

NM_001033044.4(GLUL):c.603+5G>A

ClinVar aggregate classification (germline): Likely benign. Likely benign (4).

Submissions 28 to 40 of 40:

Dr. Peter K. Rogan Lab, Western University
No classification provided (evidence only). Condition: Colon adenocarcinoma. Review status: no classification provided. Collection method: in vitro. Allele origin: not applicable. Functional consequence: retained intron. Not counted in ClinVar's aggregate classification.

Dr. Peter K. Rogan Lab, Western University
No classification provided (evidence only). Condition: Colon adenocarcinoma. Review status: no classification provided. Collection method: in vitro. Allele origin: not applicable. Functional consequence: retained intron. Not counted in ClinVar's aggregate classification.

Dr. Peter K. Rogan Lab, Western University
No classification provided (evidence only). Condition: Colon adenocarcinoma. Review status: no classification provided. Collection method: in vitro. Allele origin: not applicable. Functional consequence: retained intron. Not counted in ClinVar's aggregate classification.

Dr. Peter K. Rogan Lab, Western University
No classification provided (evidence only). Condition: Colon adenocarcinoma. Review status: no classification provided. Collection method: in vitro. Allele origin: not applicable. Functional consequence: skipped exon, retained intron. Not counted in ClinVar's aggregate classification.

Dr. Peter K. Rogan Lab, Western University
No classification provided (evidence only). Condition: Sarcoma. Review status: no classification provided. Collection method: in vitro. Allele origin: not applicable. Functional consequence: retained intron. Not counted in ClinVar's aggregate classification.

Dr. Peter K. Rogan Lab, Western University
No classification provided (evidence only). Condition: Sarcoma. Review status: no classification provided. Collection method: in vitro. Allele origin: not applicable. Functional consequence: retained intron. Not counted in ClinVar's aggregate classification.

Dr. Peter K. Rogan Lab, Western University
No classification provided (evidence only). Condition: Nonpapillary renal cell carcinoma. Review status: no classification provided. Collection method: in vitro. Allele origin: not applicable. Functional consequence: retained intron. Not counted in ClinVar's aggregate classification.

Dr. Peter K. Rogan Lab, Western University
No classification provided (evidence only). Condition: Thymoma. Review status: no classification provided. Collection method: in vitro. Allele origin: not applicable. Functional consequence: skipped exon, retained intron. Not counted in ClinVar's aggregate classification.

Dr. Peter K. Rogan Lab, Western University
No classification provided (evidence only). Condition: Ovarian serous cystadenocarcinoma. Review status: no classification provided. Collection method: in vitro. Allele origin: not applicable. Functional consequence: retained intron. Not counted in ClinVar's aggregate classification.

Dr. Peter K. Rogan Lab, Western University
No classification provided (evidence only). Condition: Ovarian serous cystadenocarcinoma. Review status: no classification provided. Collection method: in vitro. Allele origin: not applicable. Functional consequence: retained intron. Not counted in ClinVar's aggregate classification.

Dr. Peter K. Rogan Lab, Western University
No classification provided (evidence only). Condition: Ovarian serous cystadenocarcinoma. Review status: no classification provided. Collection method: in vitro. Allele origin: not applicable. Functional consequence: retained intron. Not counted in ClinVar's aggregate classification.

Dr. Peter K. Rogan Lab, Western University
No classification provided (evidence only). Condition: Ovarian serous cystadenocarcinoma. Review status: no classification provided. Collection method: in vitro. Allele origin: not applicable. Functional consequence: retained intron. Not counted in ClinVar's aggregate classification.

Dr. Peter K. Rogan Lab, Western University
No classification provided (evidence only). Condition: Gastric cancer. Review status: no classification provided. Collection method: in vitro. Allele origin: not applicable. Functional consequence: retained intron. Not counted in ClinVar's aggregate classification.